The following is an entry in ClinVar:

ClinVar aggregate classification (germline): Conflicting classifications of pathogenicity. Review status: criteria provided, conflicting classifications (1 of 4 stars). 3 submissions from 3 submitters: Uncertain significance (1); Likely benign (1). 1 of the submissions does not count toward it. Last evaluated 2023-10-20.

Conditions:
TTN-related disorder. Also called: TTN-related condition; TTN-related disease; TTN-related disorders.
Cardiovascular phenotype. Identifiers: MedGen CN230736.

Allele frequency attached by ClinVar (database versions not stated): gnomAD exomes 0.00001 and 0.00003; ExAC 0.00003; TOPMed 0.00005.
gnomAD v4.1: 21 of 1,613,316 alleles (0.0013%); highest among the groups gnomAD compares: Middle Eastern, 0.017%; no homozygotes.

Submissions (3):

Revvity Omics, Revvity
Classification: Uncertain significance. Last evaluated: 2023-10-20. Review status: criteria provided, single submitter. Criteria: ACMG Guidelines, 2015. Collection method: clinical testing. Allele origin: germline.

Ambry Genetics
Classification: Likely benign for Cardiovascular phenotype. Last evaluated: 2020-09-14. Review status: criteria provided, single submitter. Criteria: Ambry Variant Classification Scheme 2023. Collection method: clinical testing. Allele origin: germline.

PreventionGenetics, part of Exact Sciences
Classification: Uncertain significance for TTN-related condition. Last evaluated: 2024-08-08. Review status: no assertion criteria provided. Collection method: clinical testing. Allele origin: germline. Not counted in ClinVar's aggregate classification.
Comment: The TTN c.71537G>A variant is predicted to result in the amino acid substitution p.Ser23846Asn. To our knowledge, this variant has not been reported in the literature. This variant is reported in 0.028% of alleles in individuals of East Asian descent in gnomAD. At this time, the clinical significance of this variant is uncertain due to the absence of conclusive functional and genetic evidence.

NM_001267550.2(TTN):c.71537G>A (p.Ser23846Asn)

Genes: TTN (titin; minus strand), TTN-AS1 (TTN antisense RNA 1; plus strand). Cytogenetic location: 2q31.2.
Variant type: single nucleotide variant.
Coding change: c.71537G>A on transcript NM_001267550.2 (MANE Select); coding-DNA position 71537, G replaced by A.
Protein change: p.Ser23846Asn; replaces serine 23846 with asparagine.
Molecular consequence: missense variant.
Genome position (GRCh38, 1-based): chr2:178,574,595, C>T on the plus strand (G>A on the coding strand, the complement: TTN is on the minus strand). VCF-style: chr2-178574595-C-T. GRCh37 (hg19) VCF-style: chr2-179439322-C-T.
Other names: c.66614G>A, p.Ser22205Asn (NM_001256850.1); c.44342G>A, p.Ser14781Asn (NM_003319.4); c.63833G>A, p.Ser21278Asn (NM_133378.4); c.44717G>A, p.Ser14906Asn (NM_133432.3); c.44918G>A, p.Ser14973Asn (NM_133437.4); short protein forms S21278N, S22205N, S14781N, S14906N, S14973N, S23846N.
Identifiers: ClinVar variation 1740574 (VCV001740574.4), dbSNP rs760506346, ClinGen allele CA1990616.
Genomic context (GRCh38, chr2:178,574,595, plus strand): 5'-TTTCTTTCAACATGATATCCTAAAATGGGGCTTCCACCATCAGAAAGTGGCTCATGCCAG[C>T]TAATTGTCATTGAATCCTTGGTAACTGCAGTTACCTGAGGGGTACCAGGAGGTCCAGGAA-3'
Protein context (NP_001254479.2, residues 23836-23856): TAVTKDSMTI[Ser23846Asn]WHEPLSDGGS